The following is an entry in ClinVar:

NM_025114.4(CEP290):c.4877T>C (p.Met1626Thr)

Gene: CEP290 (centrosomal protein 290; minus strand). Cytogenetic location: 12q21.32.
Variant type: single nucleotide variant.
Coding change: c.4877T>C on transcript NM_025114.4 (MANE Select); coding-DNA position 4877, T replaced by C.
Protein change: p.Met1626Thr; replaces methionine 1626 with threonine.
Molecular consequence: missense variant.
Genome position (GRCh38, 1-based): chr12:88,083,166, A>G on the plus strand (T>C on the coding strand, the complement: CEP290 is on the minus strand). VCF-style: chr12-88083166-A-G. GRCh37 (hg19) VCF-style: chr12-88476943-A-G.
Other names: short protein forms M1626T.
Identifiers: ClinVar variation 1396927 (VCV001396927.5), dbSNP rs1413188289, ClinGen allele CA385992949.
Genomic context (GRCh38, chr12:88,083,166, plus strand): 5'-TTCTTTAGTTTGACCAAGAGTGAGGAAAGAGAGTCATCTTGTTCTGCTACTGTCTGTTCC[A>G]TCTCAGCCAGACGAATAAAATGCTTGTTGGTAGGAACTGGAGTGGGAGACTGTTTCATTA-3'
Protein context (NP_079390.3, residues 1616-1636): TNKHFIRLAE[Met1626Thr]EQTVAEQDDS

ClinVar aggregate classification (germline): Uncertain significance (1 of 4 stars; one submission).

Conditions:
Joubert syndrome. Also called: CEREBELLOPARENCHYMAL DISORDER IV; JOUBERT-BOLTSHAUSER SYNDROME; Familial aplasia of the vermis. Identifiers: Orphanet 475, MedGen C5979921, MONDO:0018772.
Nephronophthisis. Also called: Juvenile Nephronophthisis. Identifiers: Orphanet 655, MedGen C0687120, MONDO:0019005, HP:0000090.
Meckel-Gruber syndrome. Also called: DYSENCEPHALIA SPLANCHNOCYSTICA; GRUBER SYNDROME; Dysencephalia splachnocystica. Identifiers: Orphanet 564, MedGen C0265215, MONDO:0018921.

Allele frequency attached by ClinVar (database versions not stated): TOPMed below 0.00001.

Submission:

Labcorp Genetics (formerly Invitae), Labcorp
Classification: Uncertain significance for Joubert syndrome; Meckel-Gruber syndrome; Nephronophthisis. Last evaluated: 2022-04-09. Review status: criteria provided, single submitter. Criteria: Invitae Variant Classification Sherloc (09022015). Collection method: clinical testing. Allele origin: germline.
Comment: This sequence change replaces methionine, which is neutral and non-polar, with threonine, which is neutral and polar, at codon 1626 of the CEP290 protein (p.Met1626Thr). This variant is not present in population databases (gnomAD no frequency). This variant has not been reported in the literature in individuals affected with CEP290-related conditions. Algorithms developed to predict the effect of missense changes on protein structure and function are either unavailable or do not agree on the potential impact of this missense change (SIFT: "Tolerated"; PolyPhen-2: "Probably Damaging"; Align-GVGD: "Class C0"). In summary, the available evidence is currently insufficient to determine the role of this variant in disease. Therefore, it has been classified as a Variant of Uncertain Significance.